The following is an entry in ClinVar:

NM_000179.3(MSH6):c.458-2A>G

Gene: MSH6 (mutS homolog 6; plus strand). Cytogenetic location: 2p16.3.
Variant type: single nucleotide variant.
Coding change: c.458-2A>G on transcript NM_000179.3 (MANE Select); the canonical splice acceptor site of the intron before coding-DNA position 458, A replaced by G.
Molecular consequence: splice acceptor variant. On other transcripts: 5 prime UTR variant (1), intron variant (8).
Genome position (GRCh38, 1-based): chr2:47,795,892, A>G. VCF-style: chr2-47795892-A-G. GRCh37 (hg19) VCF-style: chr2-48023031-A-G.
Other names: c.-70A>G (NM_001406807.1); c.458-2A>G (NM_001406809.1, NM_001406796.1, NM_001406808.1 and 5 more transcripts); c.-279-2719A>G (NM_001406811.1, NM_001281493.2, NM_001406812.1 and 4 more transcripts); c.161-2A>G (NM_001406805.1, NM_001406797.1, NM_001406801.1 and 10 more transcripts); c.554-2A>G (NM_001406795.1, NM_001406802.1); c.464-2A>G (NM_001406813.1); c.-537-2A>G (NM_001406814.1); c.-68-2A>G (NM_001406799.1, NM_001406806.1); and 4 more.
Identifiers: ClinVar variation 1347956 (VCV001347956.8), dbSNP rs2104227716, ClinGen allele CA346738551.

ClinVar aggregate classification (germline): Likely pathogenic (1 of 4 stars; one submission).

Conditions:
Hereditary nonpolyposis colorectal neoplasms. Identifiers: MedGen C0009405, MeSH D003123.

Submission:

Labcorp Genetics (formerly Invitae), Labcorp
Classification: Likely pathogenic for Hereditary nonpolyposis colorectal neoplasms. Last evaluated: 2021-06-01. Review status: criteria provided, single submitter. Criteria: Invitae Variant Classification Sherloc (09022015). Collection method: clinical testing. Allele origin: germline.
Comment: This variant is not present in population databases (ExAC no frequency). This variant has not been reported in the literature in individuals with MSH6-related conditions. Algorithms developed to predict the effect of sequence changes on RNA splicing suggest that this variant may disrupt the consensus splice site, but this prediction has not been confirmed by published transcriptional studies. In summary, the currently available evidence indicates that the variant is pathogenic, but additional data are needed to prove that conclusively. Therefore, this variant has been classified as Likely Pathogenic. This sequence change affects an acceptor splice site in intron 2 of the MSH6 gene. It is expected to disrupt RNA splicing. Variants that disrupt the donor or acceptor splice site typically lead to a loss of protein function (PMID: 16199547), and loss-of-function variants in MSH6 are known to be pathogenic (PMID: 18269114, 24362816).

Literature cited by the submitters: PubMed 16199547; PubMed 18269114; PubMed 24362816.